The following is an entry in ClinVar:

ClinVar aggregate classification (germline): Uncertain significance (1 of 4 stars; one submission).

Conditions:
Neurodevelopmental disorder with or without autism or seizures (NEDAUS). Identifiers: MedGen C5543225, MONDO:0030994, OMIM 619239.

Submission:

Institute of Human Genetics, University of Leipzig Medical Center
Classification: Uncertain significance for Neurodevelopmental disorder with or without autism or seizures. Last evaluated: 2026-07-09. Review status: criteria provided, single submitter. Criteria: ACMG Guidelines, 2015. Collection method: clinical testing. Allele origin: unknown. Inheritance: Autosomal dominant inheritance. Affected: yes.
Comment: Criteria applied: PM2,PP2,PP3

NM_003590.5(CUL3):c.2254G>A (p.Glu752Lys)

Gene: CUL3 (cullin 3; minus strand). Cytogenetic location: 2q36.2.
Variant type: single nucleotide variant.
Coding change: c.2254G>A on transcript NM_003590.5 (MANE Select); coding-DNA position 2254, G replaced by A.
Protein change: p.Glu752Lys; replaces glutamic acid 752 with lysine.
Molecular consequence: missense variant.
Genome position (GRCh38, 1-based): chr2:224,474,298, C>T on the plus strand (G>A on the coding strand, the complement: CUL3 is on the minus strand). VCF-style: chr2-224474298-C-T. GRCh37 (hg19) VCF-style: chr2-225339015-C-T.
Other names: c.2056G>A, p.Glu686Lys (NM_001257197.2); c.2272G>A, p.Glu758Lys (NM_001257198.2); short protein forms E686K, E752K, E758K.
Identifiers: ClinVar variation 4890714 (VCV004890714.1).